The following is an entry in ClinVar:

ClinVar aggregate classification (germline): Uncertain significance (1 of 4 stars; one submission).

gnomAD v4.1: 3 of 1,613,978 alleles (0.00019%); highest among the groups gnomAD compares: Non-Finnish European, 0.00025%; no homozygotes.

Submission:

Labcorp Genetics (formerly Invitae), Labcorp
Classification: Uncertain significance. Last evaluated: 2024-02-23. Review status: criteria provided, single submitter. Criteria: Invitae Variant Classification Sherloc (09022015). Collection method: clinical testing. Allele origin: germline.
Comment: This sequence change replaces valine, which is neutral and non-polar, with leucine, which is neutral and non-polar, at codon 3815 of the HMCN1 protein (p.Val3815Leu). This variant is present in population databases (rs569383096, gnomAD 0.0009%). This variant has not been reported in the literature in individuals affected with HMCN1-related conditions. An algorithm developed to predict the effect of missense changes on protein structure and function (PolyPhen-2) suggests that this variant is likely to be disruptive. In summary, the available evidence is currently insufficient to determine the role of this variant in disease. Therefore, it has been classified as a Variant of Uncertain Significance.

NM_031935.3(HMCN1):c.11443G>C (p.Val3815Leu)

Gene: HMCN1 (hemicentin 1; plus strand). Cytogenetic location: 1q31.1.
Variant type: single nucleotide variant.
Coding change: c.11443G>C on transcript NM_031935.3 (MANE Select); coding-DNA position 11443, G replaced by C.
Protein change: p.Val3815Leu; replaces valine 3815 with leucine.
Molecular consequence: missense variant.
Genome position (GRCh38, 1-based): chr1:186,115,296, G>C. VCF-style: chr1-186115296-G-C. GRCh37 (hg19) VCF-style: chr1-186084428-G-C.
Other names: short protein forms V3815L.
Identifiers: ClinVar variation 3687750 (VCV003687750.2).